The following is an entry in ClinVar:

NM_000238.4(KCNH2):c.2398+255G>C

Gene: KCNH2 (potassium voltage-gated channel subfamily H member 2; minus strand). Cytogenetic location: 7q36.1.
Variant type: single nucleotide variant.
Coding change: c.2398+255G>C on transcript NM_000238.4 (MANE Select); 255 bases into the intron after coding-DNA position 2398, G replaced by C.
Molecular consequence: intron variant. On other transcripts: missense variant (5).
Genome position (GRCh38, 1-based): chr7:150,949,913, C>G on the plus strand (G>C on the coding strand, the complement: KCNH2 is on the minus strand). VCF-style: chr7-150949913-C-G. GRCh37 (hg19) VCF-style: chr7-150647001-C-G.
Other names: c.1633G>C, p.Ala545Pro (NM_001204798.2); c.2476G>C, p.Ala826Pro (NM_001406755.1); c.2365G>C, p.Ala789Pro (NM_001406756.1); c.2353G>C, p.Ala785Pro (NM_001406757.1); c.2653G>C, p.Ala885Pro (NM_172056.3); c.2110+255G>C (NM_001406753.1); c.1378+255G>C (NM_172057.3); short protein forms A545P, A785P, A789P, A826P, A885P.
Identifiers: ClinVar variation 3912008 (VCV003912008.2).

ClinVar aggregate classification (germline): Likely benign (1 of 4 stars; one submission).

gnomAD v4.1: 5 of 1,490,918 alleles (0.00034%); highest among the groups gnomAD compares: Admixed American, 0.0021%; no homozygotes.

Submission:

Women's Health and Genetics/Laboratory Corporation of America, LabCorp
Classification: Likely benign. Last evaluated: 2025-07-01. Review status: criteria provided, single submitter. Criteria: LabCorp Variant Classification Summary - May 2015. Collection method: clinical testing. Allele origin: germline.
Comment: Variant summary: KCNH2 c.2398+255G>C is located at a position not widely known to affect splicing. Consensus agreement among computation tools predict no significant impact on normal splicing. However, these predictions have yet to be confirmed by functional studies. The variant allele was found at a frequency of 1.4e-05 in 146118 control chromosomes. The available data on variant occurrences in the general population are insufficient to allow any conclusion about variant significance. To our knowledge, no occurrence of c.2398+255G>C in individuals affected with Arrhythmia and no experimental evidence demonstrating its impact on protein function have been reported. No submitters have cited clinical-significance assessments for this variant to ClinVar. Based on the evidence outlined above, the variant was classified as likely benign.